The following is an entry in ClinVar:

ClinVar aggregate classification (germline): Conflicting classifications of pathogenicity. Review status: criteria provided, conflicting classifications (1 of 4 stars). 4 submissions from 4 submitters: Likely pathogenic (1); Uncertain significance (3). Last evaluated 2025-02-10.

Conditions:
Marfan syndrome (MFS). Also called: MARFAN SYNDROME, TYPE I; FBN1-Related Marfan Syndrome; Marfan syndrome type 1; Marfan's syndrome; Marfan syndrome, classic. Identifiers: Orphanet 284963, Orphanet 558, MedGen C0024796, MONDO:0007947, OMIM 154700.
Familial thoracic aortic aneurysm and aortic dissection (TAAD). Also called: Thoracic aortic aneurysms and dissections. Identifiers: Orphanet 91387, MedGen C4707243, MONDO:0019625.
Primary dilated cardiomyopathy (DCM). Also called: Dilated Cardiomyopathy. Identifiers: Orphanet 217604, MedGen C0007193, MeSH D002311, MONDO:0005021, HP:0001644. Inheritance: Various modes of inheritance.

gnomAD v4.1: 5 of 1,614,228 alleles (0.00031%); highest among the groups gnomAD compares: East Asian, 0.0089%; no homozygotes.

Submissions (4):

Labcorp Genetics (formerly Invitae), Labcorp
Classification: Uncertain significance for Marfan syndrome; Familial thoracic aortic aneurysm and aortic dissection. Last evaluated: 2025-02-10. Review status: criteria provided, single submitter. Criteria: Invitae Variant Classification Sherloc (09022015). Collection method: clinical testing. Allele origin: germline.
Comment: This sequence change replaces histidine, which is basic and polar, with glutamine, which is neutral and polar, at codon 219 of the FBN1 protein (p.His219Gln). This variant is present in population databases (rs774754863, gnomAD 0.02%). This missense change has been observed in individual(s) with clinical features of FBN1-related conditions (PMID: 22772377, 37625564). ClinVar contains an entry for this variant (Variation ID: 2505313). Invitae Evidence Modeling of protein sequence and biophysical properties (such as structural, functional, and spatial information, amino acid conservation, physicochemical variation, residue mobility, and thermodynamic stability) indicates that this missense variant is expected to disrupt FBN1 protein function with a positive predictive value of 95%. In summary, the available evidence is currently insufficient to determine the role of this variant in disease. Therefore, it has been classified as a Variant of Uncertain Significance.

All of Us Research Program, National Institutes of Health
Classification: Uncertain significance for Marfan syndrome. Last evaluated: 2024-09-23. Review status: criteria provided, single submitter. Criteria: ACMG Guidelines, 2015. Collection method: clinical testing. Allele origin: germline. Inheritance: Autosomal dominant inheritance. Observed: 2 variant alleles, 2 heterozygotes.
Comment: This missense variant replaces histidine with glutamine at codon 219 of the FBN1 protein. Computational prediction tools indicate that this variant has a deleterious impact on protein structure and function. To our knowledge, functional studies have not been reported for this variant. This variant has been reported in one individual affected with sporadic thoracic aortic aneurysm and aortic dissection (PMID: 22772377). This variant has been identified in 3/251398 chromosomes in the general population by the Genome Aggregation Database (gnomAD). The available evidence is insufficient to determine the role of this variant in disease conclusively. Therefore, this variant is classified as a Variant of Uncertain Significance.

This study involves interpretation of variants in research participants for the purpose of population health screening. Participant phenotype was not available at the time of variant classification. Additional details can be found in publication PMID: 35346344, PMCID: PMC8962531

Color Diagnostics, LLC DBA Color Health
Classification: Uncertain significance for Familial thoracic aortic aneurysm and aortic dissection. Last evaluated: 2024-04-03. Review status: criteria provided, single submitter. Criteria: ACMG Guidelines, 2015. Collection method: clinical testing. Allele origin: germline.
Comment: This missense variant replaces histidine with glutamine at codon 219 of the FBN1 protein. Computational prediction tools indicate that this variant has a deleterious impact on protein structure and function. To our knowledge, functional studies have not been reported for this variant. This variant has been reported in one individual affected with sporadic thoracic aortic aneurysm and aortic dissection (PMID: 22772377). This variant has been identified in 3/251398 chromosomes in the general population by the Genome Aggregation Database (gnomAD). The available evidence is insufficient to determine the role of this variant in disease conclusively. Therefore, this variant is classified as a Variant of Uncertain Significance.

Clinical Center for Gene Diagnosis and Therapy, Department of Cardiovascular Surgery, The Second Xiangya Hospital of Central South University
Classification: Likely pathogenic for Primary dilated cardiomyopathy. Last evaluated: 2023-06-01. Review status: criteria provided, single submitter. Criteria: ACMG Guidelines, 2015. Collection method: clinical testing. Allele origin: germline. Affected: yes.

Literature cited by the submitters: PubMed 22772377 (cited by 3 submitters); PubMed 37625564 (cited by Labcorp Genetics (formerly Invitae), Labcorp).

NM_000138.5(FBN1):c.657C>G (p.His219Gln)

Gene: FBN1 (fibrillin 1; minus strand). Cytogenetic location: 15q21.1.
Variant type: single nucleotide variant.
Coding change: c.657C>G on transcript NM_000138.5 (MANE Select); coding-DNA position 657, C replaced by G.
Protein change: p.His219Gln; replaces histidine 219 with glutamine.
Molecular consequence: missense variant.
Genome position (GRCh38, 1-based): chr15:48,537,690, G>C on the plus strand (C>G on the coding strand, the complement: FBN1 is on the minus strand). VCF-style: chr15-48537690-G-C. GRCh37 (hg19) VCF-style: chr15-48829887-G-C.
Other names: c.657C>G, p.His219Gln (NM_001406716.1, NM_001406717.1); short protein forms H219Q.
Identifiers: ClinVar variation 2505313 (VCV002505313.4), dbSNP rs774754863, ClinGen allele CA057019.